The following is an entry in ClinVar:

NM_001271.4(CHD2):c.3321C>T (p.Asp1107=)

Gene: CHD2 (chromodomain helicase DNA binding protein 2; plus strand). Cytogenetic location: 15q26.1.
Variant type: single nucleotide variant.
Coding change: c.3321C>T on transcript NM_001271.4 (MANE Select); coding-DNA position 3321, C replaced by T.
Protein change: p.Asp1107=; no amino-acid change (aspartic acid 1107 retained).
Molecular consequence: synonymous variant.
Genome position (GRCh38, 1-based): chr15:92,985,581, C>T. VCF-style: chr15-92985581-C-T. GRCh37 (hg19) VCF-style: chr15-93528811-C-T.
Identifiers: ClinVar variation 384642 (VCV000384642.24), dbSNP rs141018126, ClinGen allele CA7748181.
Genomic context (GRCh38, chr15:92,985,581, plus strand): 5'-TGACACTGAGTCTAAGAGGCAGGCCCAGAGATCCTCTGCTTCTGAGAGTGAAACGGAAGA[C>T]TCTGATGATGACAAGAAGCCAAAGCGCAGAGGGCGTCCGAGGAGTGTGCGGAAGGACCTC-3'
Protein context (NP_001262.3, residues 1097-1117): RSSASESETE[Asp1107=]SDDDKKPKRR

ClinVar aggregate classification (germline): Benign/Likely benign. Review status: criteria provided, multiple submitters, no conflicts (2 of 4 stars). 7 submissions from 7 submitters: Benign (3); Likely benign (4). Last evaluated 2026-01-28.

Conditions:
Inborn genetic diseases. Identifiers: MedGen C0950123, MeSH D030342.
Developmental and epileptic encephalopathy 94 (DEE94). Also called: Epileptic encephalopathy, childhood-onset; CHD2-Related Neurodevelopmental Disorders. Identifiers: Orphanet 1942, Orphanet 2382, MedGen C3809278, MONDO:0014150, OMIM 615369.

Allele frequency attached by ClinVar (database versions not stated): gnomAD exomes 0.00023 and 0.00060; ExAC 0.00077; 1000 Genomes Project 0.00200; 1000 Genomes Project 30x 0.00234; gnomAD 0.00242 and 0.00262; TOPMed 0.00269; ESP Exome Variant Server 0.00300.
gnomAD v4.1: 704 of 1,614,100 alleles (0.044%); highest among the groups gnomAD compares: African/African-American, 0.87%; 4 homozygotes.

Submissions (7):

Labcorp Genetics (formerly Invitae), Labcorp
Classification: Benign for Developmental and epileptic encephalopathy 94. Last evaluated: 2026-01-28. Review status: criteria provided, single submitter. Criteria: Invitae Variant Classification Sherloc (09022015). Collection method: clinical testing. Allele origin: germline.

CeGaT Center for Human Genetics Tuebingen
Classification: Likely benign. Last evaluated: 2025-12-01. Review status: criteria provided, single submitter. Criteria: CeGaT Center For Human Genetics Tuebingen Variant Classification Criteria Version 2. Collection method: clinical testing. Allele origin: germline. Affected: yes. Observed: 1 variant allele.
Comment: CHD2: BP4, BP7

Blueprint Genetics
Classification: Likely benign. Last evaluated: 2024-11-25. Review status: criteria provided, single submitter. Criteria: ACMG Guidelines, 2015. Collection method: clinical testing. Allele origin: germline.

Athena Diagnostics
Classification: Benign. Last evaluated: 2018-05-01. Review status: criteria provided, single submitter. Criteria: Athena Diagnostics Criteria. Collection method: clinical testing. Allele origin: germline.

GeneDx
Classification: Benign. Last evaluated: 2018-03-13. Review status: criteria provided, single submitter. Criteria: GeneDx Variant Classification (06012015). Collection method: clinical testing. Allele origin: germline. Affected: yes.
Comment: This variant is considered likely benign or benign based on one or more of the following criteria: it is a conservative change, it occurs at a poorly conserved position in the protein, it is predicted to be benign by multiple in silico algorithms, and/or has population frequency not consistent with disease.

Ambry Genetics
Classification: Likely benign for Inborn genetic diseases. Last evaluated: 2016-07-01. Review status: criteria provided, single submitter. Criteria: Ambry Variant Classification Scheme 2023. Collection method: clinical testing. Allele origin: germline.

Breakthrough Genomics
Classification: Likely benign. Review status: criteria provided, single submitter. Criteria: ACMG Guidelines, 2015. Collection method: not provided. Allele origin: germline. Inheritance: Autosomal dominant inheritance. Affected: yes.